The following is an entry in ClinVar:

NM_002292.4(LAMB2):c.4489A>G (p.Lys1497Glu)

Gene: LAMB2 (laminin subunit beta 2; minus strand). Cytogenetic location: 3p21.31.
Variant type: single nucleotide variant.
Coding change: c.4489A>G on transcript NM_002292.4 (MANE Select); coding-DNA position 4489, A replaced by G.
Protein change: p.Lys1497Glu; replaces lysine 1497 with glutamic acid.
Molecular consequence: missense variant.
Genome position (GRCh38, 1-based): chr3:49,122,788, T>C on the plus strand (A>G on the coding strand, the complement: LAMB2 is on the minus strand). VCF-style: chr3-49122788-T-C. GRCh37 (hg19) VCF-style: chr3-49160221-T-C.
Other names: short protein forms K1497E.
Identifiers: ClinVar variation 345977 (VCV000345977.8), dbSNP rs771769006, ClinGen allele CA2393776.

ClinVar aggregate classification (germline): Uncertain significance. Review status: criteria provided, multiple submitters, no conflicts (2 of 4 stars). 2 submissions from 2 submitters: Uncertain significance (2). Last evaluated 2025-10-02.

Conditions:
LAMB2-related infantile-onset nephrotic syndrome. Also called: NEPHROTIC SYNDROME, TYPE 5, WITHOUT OCULAR ABNORMALITIES; NEPHROTIC SYNDROME, TYPE 5, WITH OCULAR ABNORMALITIES; Nephrotic Syndrome, type 5. Identifiers: Orphanet 306507, MedGen C3280113, MONDO:0013621, OMIM 614199.
Pierson syndrome. Also called: MICROCORIA-CONGENITAL NEPHROTIC SYNDROME. Identifiers: Orphanet 2670, MedGen C1836876, MONDO:0012184, OMIM 609049.

Allele frequency attached by ClinVar (database versions not stated): TOPMed below 0.00001; ExAC 0.00001; gnomAD 0.00001; gnomAD exomes 0.00001.
gnomAD v4.1: 10 of 1,613,896 alleles (0.00062%); highest among the groups gnomAD compares: Non-Finnish European, 0.00076%; no homozygotes.

Submissions (2):

Labcorp Genetics (formerly Invitae), Labcorp
Classification: Uncertain significance for LAMB2-related infantile-onset nephrotic syndrome; Pierson syndrome. Last evaluated: 2025-10-02. Review status: criteria provided, single submitter. Criteria: Invitae Variant Classification Sherloc (09022015). Collection method: clinical testing. Allele origin: germline.
Comment: This sequence change replaces lysine, which is basic and polar, with glutamic acid, which is acidic and polar, at codon 1497 of the LAMB2 protein (p.Lys1497Glu). This variant is present in population databases (rs771769006, gnomAD 0.002%). This variant has not been reported in the literature in individuals affected with LAMB2-related conditions. ClinVar contains an entry for this variant (Variation ID: 345977). An algorithm developed to predict the effect of missense changes on protein structure and function (PolyPhen-2) suggests that this variant is likely to be disruptive. In summary, the available evidence is currently insufficient to determine the role of this variant in disease. Therefore, it has been classified as a Variant of Uncertain Significance.

Fulgent Genetics
Classification: Uncertain significance for Pierson syndrome; LAMB2-related infantile-onset nephrotic syndrome. Last evaluated: 2024-03-27. Review status: criteria provided, single submitter. Criteria: ACMG Guidelines, 2015. Collection method: clinical testing. Allele origin: germline.